The following is an entry in ClinVar:

ClinVar aggregate classification (germline): Uncertain significance. Review status: criteria provided, multiple submitters, no conflicts (2 of 4 stars). 2 submissions from 2 submitters: Uncertain significance (2). Last evaluated 2025-08-20.

Conditions:
Hereditary cancer-predisposing syndrome. Also called: Tumor predisposition; Hereditary neoplastic syndrome; Hereditary Cancer Syndrome; Neoplastic Syndromes, Hereditary. Identifiers: Orphanet 140162, MedGen C0027672, MeSH D009386, MONDO:0015356.

Submissions (2):

Labcorp Genetics (formerly Invitae), Labcorp
Classification: Uncertain significance. Last evaluated: 2025-08-20. Review status: criteria provided, single submitter. Criteria: Invitae Variant Classification Sherloc (09022015). Collection method: clinical testing. Allele origin: germline.
Comment: This sequence change replaces aspartic acid, which is acidic and polar, with glycine, which is neutral and non-polar, at codon 403 of the MSH3 protein (p.Asp403Gly). This variant is not present in population databases (gnomAD no frequency). This variant has not been reported in the literature in individuals affected with MSH3-related conditions. ClinVar contains an entry for this variant (Variation ID: 3222226). An algorithm developed to predict the effect of missense changes on protein structure and function (PolyPhen-2) suggests that this variant is likely to be disruptive. In summary, the available evidence is currently insufficient to determine the role of this variant in disease. Therefore, it has been classified as a Variant of Uncertain Significance.

Ambry Genetics
Classification: Uncertain significance for Hereditary cancer-predisposing syndrome. Last evaluated: 2023-10-16. Review status: criteria provided, single submitter. Criteria: Ambry Variant Classification Scheme 2023. Collection method: clinical testing. Allele origin: germline.
Comment: The p.D403G variant (also known as c.1208A>G), located in coding exon 8 of the MSH3 gene, results from an A to G substitution at nucleotide position 1208. The aspartic acid at codon 403 is replaced by glycine, an amino acid with similar properties. This amino acid position is highly conserved in available vertebrate species. In addition, this alteration is predicted to be deleterious by in silico analysis. Since supporting evidence is limited at this time, the clinical significance of this alteration remains unclear.

NM_002439.5(MSH3):c.1208A>G (p.Asp403Gly)

Gene: MSH3 (mutS homolog 3; plus strand). Cytogenetic location: 5q14.1.
Variant type: single nucleotide variant.
Coding change: c.1208A>G on transcript NM_002439.5 (MANE Select); coding-DNA position 1208, A replaced by G.
Protein change: p.Asp403Gly; replaces aspartic acid 403 with glycine.
Molecular consequence: missense variant.
Genome position (GRCh38, 1-based): chr5:80,678,961, A>G. VCF-style: chr5-80678961-A-G. GRCh37 (hg19) VCF-style: chr5-79974780-A-G.
Other names: short protein forms D403G.
Identifiers: ClinVar variation 3222226 (VCV003222226.2), dbSNP rs2112818996, ClinGen allele CA360268884.